The following is an entry in ClinVar:

ClinVar aggregate classification (germline): Pathogenic/Likely pathogenic. Review status: criteria provided, multiple submitters, no conflicts (2 of 4 stars). 6 submissions from 6 submitters: Pathogenic (4); Likely pathogenic (2). Last evaluated 2026-04-13.

Conditions:
ETFDH-related disorder. Also called: ETFDH-related condition.
Multiple acyl-CoA dehydrogenase deficiency (MADD). Also called: ETHYLMALONIC-ADIPICACIDURIA; GA II; Glutaric acidemia type II; GA 2; Glutaric aciduria, type 2; Glutaric Acidemia type 2. Identifiers: Orphanet 26791, MedGen C0268596, MONDO:0009282, OMIM 231680.
Glutaric acidemia type 2C.

Allele frequency attached by ClinVar (database versions not stated): gnomAD exomes below 0.00001 and 0.00001; gnomAD 0.00001; TOPMed 0.00002.
gnomAD v4.1: 14 of 1,612,606 alleles (0.00087%); highest among the groups gnomAD compares: Non-Finnish European, 0.0012%; no homozygotes.

Submissions (6):

PreventionGenetics, part of Exact Sciences
Classification: Pathogenic for ETFDH-related condition. Last evaluated: 2026-04-13. Review status: criteria provided, single submitter. Criteria: ACMG Guidelines, 2015. Collection method: clinical testing. Allele origin: germline.
Comment: The ETFDH c.858G>A variant is predicted to result in premature protein termination (p.Trp286*). This variant was reported in the compound heterozygous state in an individual with multiple acyl-CoA dehydrogenase deficiency (MADD, van Rijt et al. 2020. PubMed ID: 31904027). This variant was also documented in an individual with a positive newborn screening for MADD (Sahai et al 2014. PubMed ID: 24190796). This variant is reported in 0.00088% of alleles in individuals of European (Non-Finnish) descent in gnomAD. Nonsense variants in ETFDH are expected to be pathogenic. This variant is interpreted as pathogenic.

Mayo Clinic Laboratories, Mayo Clinic
Classification: Likely pathogenic. Last evaluated: 2025-10-09. Review status: criteria provided, single submitter. Criteria: ACMG Guidelines, 2015. Collection method: clinical testing. Allele origin: germline. Observed: 1 variant allele.
Comment: PM2_supporting, PVS1

Natera, Inc.
Classification: Pathogenic for Glutaric acidemia type 2C. Last evaluated: 2025-07-24. Review status: criteria provided, single submitter. Criteria: Natera Variant Classification Schema (03/2026). Collection method: clinical testing. Allele origin: germline.
Comment: The c.858G>A variant in ETFDH is a nonsense variant predicted to introduce a stop codon at amino acid 286. This variant is expected to result in nonsense mediated decay, truncation, or a dysfunctional protein product. This variant is rare in the general population with a frequency below the threshold expected for the associated phenotype(s). This variant has been observed in one or more individuals affected with the associated recessive disease, as either homozygous or compound heterozygous with a second variant (PMID: 31904027). Given the available evidence, this variant is classified as Pathogenic.

Labcorp Genetics (formerly Invitae), Labcorp
Classification: Pathogenic for Multiple acyl-CoA dehydrogenase deficiency. Last evaluated: 2025-01-21. Review status: criteria provided, single submitter. Criteria: Invitae Variant Classification Sherloc (09022015). Collection method: clinical testing. Allele origin: germline.
Comment: This sequence change creates a premature translational stop signal (p.Trp286*) in the ETFDH gene. It is expected to result in an absent or disrupted protein product. Loss-of-function variants in ETFDH are known to be pathogenic (PMID: 16510302, 23785301). This variant is present in population databases (no rsID available, gnomAD 0.0009%). This premature translational stop signal has been observed in individual(s) with a positive newborn screening result for ETFDH-related disease (PMID: 24190796). ClinVar contains an entry for this variant (Variation ID: 862045). For these reasons, this variant has been classified as Pathogenic.

Baylor Genetics
Classification: Pathogenic for Multiple acyl-CoA dehydrogenase deficiency. Last evaluated: 2023-12-26. Review status: criteria provided, single submitter. Criteria: ACMG Guidelines, 2015. Collection method: clinical testing. Allele origin: unknown.

Blueprint Genetics
Classification: Likely pathogenic for ETFDH-related disorders. Last evaluated: 2019-06-04. Review status: criteria provided, single submitter. Criteria: ACMG Guidelines, 2015. Collection method: clinical testing. Allele origin: germline. Affected: yes. Observed: 1 variant allele.

Literature cited by the submitters: PubMed 24190796 (cited by Mayo Clinic Laboratories, Mayo Clinic and Labcorp Genetics (formerly Invitae), Labcorp); PubMed 31904027 (cited by Mayo Clinic Laboratories, Mayo Clinic and Natera, Inc.); PubMed 16510302 (cited by Labcorp Genetics (formerly Invitae), Labcorp); PubMed 23785301 (cited by Labcorp Genetics (formerly Invitae), Labcorp).

NM_004453.4(ETFDH):c.858G>A (p.Trp286Ter)

Gene: ETFDH (electron transfer flavoprotein dehydrogenase; plus strand). Cytogenetic location: 4q32.1.
Variant type: single nucleotide variant.
Coding change: c.858G>A on transcript NM_004453.4 (MANE Select); coding-DNA position 858, G replaced by A.
Protein change: p.Trp286Ter; replaces tryptophan 286 with a stop codon.
Molecular consequence: nonsense.
Genome position (GRCh38, 1-based): chr4:158,697,585, G>A. VCF-style: chr4-158697585-G-A. GRCh37 (hg19) VCF-style: chr4-159618737-G-A.
Other names: p.Trp286*; c.717G>A, p.Trp239Ter (NM_001281737.2); c.675G>A, p.Trp225Ter (NM_001281738.1); short protein forms W225*, W239*, W286*.
Identifiers: ClinVar variation 862045 (VCV000862045.14), dbSNP rs1235904433, ClinGen allele CA358561301.
Genomic context (GRCh38, chr4:158,697,585, plus strand): 5'-GCAGGACTTTTTTGTTTGCTTTTTTTTTTTTTAGTTATGGGTTATTGATGAAAAGAACTG[G>A]AAACCTGGGAGAGTAGATCACACTGTTGGTTGGCCCTTGGACAGACATACCTATGGAGGA-3'